The following is an entry in ClinVar:

ClinVar aggregate classification (germline): Uncertain significance (1 of 4 stars; one submission).

gnomAD v4.1: 4 of 1,614,062 alleles (0.00025%); highest among the groups gnomAD compares: East Asian, 0.0022%; no homozygotes.

Submission:

GeneDx
Classification: Uncertain significance. Last evaluated: 2025-10-10. Review status: criteria provided, single submitter. Criteria: GeneDx Variant Classification Process June 2021. Collection method: clinical testing. Allele origin: germline.
Comment: Not observed at significant frequency in large population cohorts (gnomAD); In silico analysis supports that this missense variant has a deleterious effect on protein structure/function; Has not been previously published as pathogenic or benign to our knowledge

NM_134261.3(RORA):c.1018C>T (p.Arg340Cys)

Genes: RORA (RAR related orphan receptor A; minus strand), RORA-AS1 (RORA antisense RNA 1; plus strand). Cytogenetic location: 15q22.2.
Variant type: single nucleotide variant.
Coding change: c.1018C>T on transcript NM_134261.3 (MANE Select); coding-DNA position 1018, C replaced by T.
Protein change: p.Arg340Cys; replaces arginine 340 with cysteine.
Molecular consequence: missense variant.
Genome position (GRCh38, 1-based): chr15:60,503,592, G>A on the plus strand (C>T on the coding strand, the complement: RORA is on the minus strand). VCF-style: chr15-60503592-G-A. GRCh37 (hg19) VCF-style: chr15-60795791-G-A.
Other names: c.1093C>T, p.Arg365Cys (NM_002943.4); c.1117C>T, p.Arg373Cys (NM_134260.3); c.853C>T, p.Arg285Cys (NM_134262.3); short protein forms R285C, R340C, R365C, R373C.
Identifiers: ClinVar variation 3368426 (VCV003368426.2).